The following is an entry in ClinVar:

ClinVar aggregate classification (germline): Uncertain significance. Review status: criteria provided, multiple submitters, no conflicts (2 of 4 stars). 2 submissions from 2 submitters: Uncertain significance (2). Last evaluated 2025-03-04.

Conditions:
Inborn genetic diseases. Identifiers: MedGen C0950123, MeSH D030342.

Allele frequency attached by ClinVar (database versions not stated): ExAC 0.00001; TOPMed 0.00003.

Submissions (2):

GeneDx
Classification: Uncertain significance. Last evaluated: 2025-03-04. Review status: criteria provided, single submitter. Criteria: GeneDx Variant Classification Process June 2021. Collection method: clinical testing. Allele origin: germline. Affected: yes.
Comment: Not observed at significant frequency in large population cohorts (gnomAD); In silico analysis indicates that this missense variant does not alter protein structure/function; Has not been previously published as pathogenic or benign to our knowledge

Ambry Genetics
Classification: Uncertain significance for Inborn genetic diseases. Last evaluated: 2022-11-07. Review status: criteria provided, single submitter. Criteria: Ambry Variant Classification Scheme 2023. Collection method: clinical testing. Allele origin: germline.

NM_001199799.2(ILDR1):c.314G>A (p.Arg105Gln)

Gene: ILDR1 (immunoglobulin like domain containing receptor 1; minus strand). Cytogenetic location: 3q13.33.
Variant type: single nucleotide variant.
Coding change: c.314G>A on transcript NM_001199799.2 (MANE Select); coding-DNA position 314, G replaced by A.
Protein change: p.Arg105Gln; replaces arginine 105 with glutamine.
Molecular consequence: missense variant.
Genome position (GRCh38, 1-based): chr3:122,005,309, C>T on the plus strand (G>A on the coding strand, the complement: ILDR1 is on the minus strand). VCF-style: chr3-122005309-C-T. GRCh37 (hg19) VCF-style: chr3-121724156-C-T.
Other names: c.314G>A, p.Arg105Gln (NM_001199800.2, NM_175924.4); short protein forms R105Q.
Identifiers: ClinVar variation 2207754 (VCV002207754.3), dbSNP rs200992174, ClinGen allele CA2568978.
Genomic context (GRCh38, chr3:122,005,309, plus strand): 5'-TGGATGGTGATCTTGCGCTGCCGGTAATCTACCCCCAGCACGGGCTCATTCTGCCCCCGC[C>T]GCTGGGCCACTATGCGAACTTCCCGCTGGTTGTCGTTGCAGTCATTGGATGGGTCCTGGC-3'
Protein context (NP_001186728.1, residues 95-115): NQREVRIVAQ[Arg105Gln]RGQNEPVLGV